The following is an entry in ClinVar:

NM_020778.5(ALPK3):c.1801A>T (p.Asn601Tyr)

Gene: ALPK3 (alpha kinase 3; plus strand). Cytogenetic location: 15q25.3.
Variant type: single nucleotide variant.
Coding change: c.1801A>T on transcript NM_020778.5 (MANE Select); coding-DNA position 1801, A replaced by T.
Protein change: p.Asn601Tyr; replaces asparagine 601 with tyrosine.
Molecular consequence: missense variant.
Genome position (GRCh38, 1-based): chr15:84,856,539, A>T. VCF-style: chr15-84856539-A-T. GRCh37 (hg19) VCF-style: chr15-85399770-A-T.
Other names: short protein forms N601Y.
Identifiers: ClinVar variation 1790806 (VCV001790806.2), dbSNP rs2505718978, ClinGen allele CA393354747.
Genomic context (GRCh38, chr15:84,856,539, plus strand): 5'-AGTCAAGGTATCATTGAACCCATGGATATGGAAACCCAGGAGGATGGGAGAACATCTGCT[A>T]ACCAGAGAACTGGAAGCAAGAAGAATGTGCAGGCAGATGGGAAGATACAAGTGGATGGAA-3'
Protein context (NP_065829.4, residues 591-611): ETQEDGRTSA[Asn601Tyr]QRTGSKKNVQ

ClinVar aggregate classification (germline): Uncertain significance (1 of 4 stars; one submission).

Conditions:
Cardiovascular phenotype. Identifiers: MedGen CN230736.

Submission:

Ambry Genetics
Classification: Uncertain significance for Cardiovascular phenotype. Last evaluated: 2020-09-28. Review status: criteria provided, single submitter. Criteria: Ambry Variant Classification Scheme 2023. Collection method: clinical testing. Allele origin: germline.
Comment: The p.N803Y variant (also known as c.2407A>T), located in coding exon 6 of the ALPK3 gene, results from an A to T substitution at nucleotide position 2407. The asparagine at codon 803 is replaced by tyrosine, an amino acid with dissimilar properties. This amino acid position is poorly conserved in available vertebrate species. In addition, this alteration is predicted to be tolerated by in silico analysis. Since supporting evidence is limited at this time, the clinical significance of this alteration remains unclear.